The following is an entry in ClinVar:

ClinVar aggregate classification (germline): Uncertain significance (1 of 4 stars; one submission).

Conditions:
Juvenile polyposis syndrome (JPS). Identifiers: Orphanet 2929, MedGen C0345893, MONDO:0017380, OMIM 174900.

Submission:

Labcorp Genetics (formerly Invitae), Labcorp
Classification: Uncertain significance for Juvenile polyposis syndrome. Last evaluated: 2025-12-30. Review status: criteria provided, single submitter. Criteria: Invitae Variant Classification Sherloc (09022015). Collection method: clinical testing. Allele origin: germline.
Comment: This sequence change replaces serine, which is neutral and polar, with threonine, which is neutral and polar, at codon 144 of the SMAD4 protein (p.Ser144Thr). This variant is not present in population databases (gnomAD no frequency). This variant has not been reported in the literature in individuals affected with SMAD4-related conditions. Invitae Evidence Modeling of protein sequence and biophysical properties (such as structural, functional, and spatial information, amino acid conservation, physicochemical variation, residue mobility, and thermodynamic stability) has been performed for this missense variant. However, the output from this modeling did not meet the statistical confidence thresholds required to predict the impact of this variant on SMAD4 protein function. In summary, the available evidence is currently insufficient to determine the role of this variant in disease. Therefore, it has been classified as a Variant of Uncertain Significance.

NM_005359.6(SMAD4):c.430T>A (p.Ser144Thr)

Gene: SMAD4 (SMAD family member 4; plus strand). Cytogenetic location: 18q21.2.
Variant type: single nucleotide variant.
Coding change: c.430T>A on transcript NM_005359.6 (MANE Select); coding-DNA position 430, T replaced by A.
Protein change: p.Ser144Thr; replaces serine 144 with threonine.
Molecular consequence: missense variant. On other transcripts: non-coding transcript variant (2).
Genome position (GRCh38, 1-based): chr18:51,049,300, T>A. VCF-style: chr18-51049300-T-A. GRCh37 (hg19) VCF-style: chr18-48575670-T-A.
Other names: c.430T>A, p.Ser144Thr (NM_001407041.1, NM_001407042.1, NM_001407043.1); short protein forms S144T.
Identifiers: ClinVar variation 4808126 (VCV004808126.1).